The following is an entry in ClinVar:

ClinVar aggregate classification (germline): Benign. Review status: criteria provided, single submitter (1 of 4 stars). 2 submissions from 2 submitters: Benign (1). 1 of the submissions does not count toward it. Last evaluated 2026-01-05.

Conditions:
FBN3-related disorder. Also called: FBN3-related condition.

Allele frequency attached by ClinVar (database versions not stated): gnomAD 0.00045; TOPMed 0.00123; gnomAD exomes 0.00129; ExAC 0.00138; 1000 Genomes Project 30x 0.00297; 1000 Genomes Project 0.00359.
gnomAD v4.1: 1,522 of 1,608,942 alleles (0.095%); highest among the groups gnomAD compares: East Asian, 3.3%; 25 homozygotes.

Submissions (2):

Labcorp Genetics (formerly Invitae), Labcorp
Classification: Benign. Last evaluated: 2026-01-05. Review status: criteria provided, single submitter. Criteria: Invitae Variant Classification Sherloc (09022015). Collection method: clinical testing. Allele origin: germline.

PreventionGenetics, part of Exact Sciences
Classification: Benign for FBN3-related condition. Last evaluated: 2019-10-31. Review status: no assertion criteria provided. Collection method: clinical testing. Allele origin: germline. Not counted in ClinVar's aggregate classification.
Comment: This variant is classified as benign based on ACMG/AMP sequence variant interpretation guidelines (Richards et al. 2015 PMID: 25741868, with internal and published modifications).

NM_032447.5(FBN3):c.6869C>T (p.Thr2290Ile)

Gene: FBN3 (fibrillin 3; minus strand). Cytogenetic location: 19p13.2.
Variant type: single nucleotide variant.
Coding change: c.6869C>T on transcript NM_032447.5 (MANE Select); coding-DNA position 6869, C replaced by T.
Protein change: p.Thr2290Ile; replaces threonine 2290 with isoleucine.
Molecular consequence: missense variant.
Genome position (GRCh38, 1-based): chr19:8,086,211, G>A on the plus strand (C>T on the coding strand, the complement: FBN3 is on the minus strand). VCF-style: chr19-8086211-G-A. GRCh37 (hg19) VCF-style: chr19-8151095-G-A.
Other names: c.6869C>T, p.Thr2290Ile (NM_001321431.2); c.6869C>T (NM_001321431.1); short protein forms T2290I.
Identifiers: ClinVar variation 724932 (VCV000724932.11), dbSNP rs79008349, ClinGen allele CA9151090.